The following is an entry in ClinVar:

NM_032119.4(ADGRV1):c.298G>A (p.Val100Ile)

Gene: ADGRV1 (adhesion G protein-coupled receptor V1; plus strand). Cytogenetic location: 5q14.3.
Variant type: single nucleotide variant.
Coding change: c.298G>A on transcript NM_032119.4 (MANE Select); coding-DNA position 298, G replaced by A.
Protein change: p.Val100Ile; replaces valine 100 with isoleucine.
Molecular consequence: missense variant. On other transcripts: non-coding transcript variant (1).
Genome position (GRCh38, 1-based): chr5:90,617,894, G>A. VCF-style: chr5-90617894-G-A. GRCh37 (hg19) VCF-style: chr5-89913711-G-A.
Other names: short protein forms V100I.
Identifiers: ClinVar variation 2100107 (VCV002100107.2), dbSNP rs41308299, ClinGen allele CA121807726.

ClinVar aggregate classification (germline): Uncertain significance (1 of 4 stars; one submission).

Allele frequency attached by ClinVar (database versions not stated): gnomAD 0.00001; 1000 Genomes Project 30x 0.00016.
gnomAD v4.1: 2 of 1,596,284 alleles (0.00013%); highest among the groups gnomAD compares: Non-Finnish European, 0.00017%; no homozygotes.

Submission:

Labcorp Genetics (formerly Invitae), Labcorp
Classification: Uncertain significance. Last evaluated: 2023-06-13. Review status: criteria provided, single submitter. Criteria: Invitae Variant Classification Sherloc (09022015). Collection method: clinical testing. Allele origin: germline.
Comment: In summary, the available evidence is currently insufficient to determine the role of this variant in disease. Therefore, it has been classified as a Variant of Uncertain Significance. Advanced modeling of protein sequence and biophysical properties (such as structural, functional, and spatial information, amino acid conservation, physicochemical variation, residue mobility, and thermodynamic stability) performed at Invitae indicates that this missense variant is not expected to disrupt ADGRV1 protein function. ClinVar contains an entry for this variant (Variation ID: 2100107). This variant has not been reported in the literature in individuals affected with ADGRV1-related conditions. The frequency data for this variant in the population databases is considered unreliable, as metrics indicate poor data quality at this position in the gnomAD database. This sequence change replaces valine, which is neutral and non-polar, with isoleucine, which is neutral and non-polar, at codon 100 of the ADGRV1 protein (p.Val100Ile).